The following is an entry in ClinVar:

ClinVar aggregate classification (germline): Uncertain significance. Review status: criteria provided, multiple submitters, no conflicts (2 of 4 stars). 2 submissions from 2 submitters: Uncertain significance (2). Last evaluated 2026-04-07.

Conditions:
NEK8-related disorder. Also called: NEK8-related condition.
Renal-hepatic-pancreatic dysplasia 2 (RHPD2). Identifiers: MedGen C3809434, MONDO:0014174, OMIM 615415.
Nephronophthisis 9 (NPHP9). Identifiers: Orphanet 655, MedGen C3151188, MONDO:0013444, OMIM 613824.
Polycystic kidney disease 8. Identifiers: MedGen C5935640, MONDO:0971178, OMIM 620903.

gnomAD v4.1: 40 of 1,613,632 alleles (0.0025%); highest among the groups gnomAD compares: Admixed American, 0.01%; no homozygotes.

Submissions (2):

PreventionGenetics, part of Exact Sciences
Classification: Uncertain significance for NEK8-related condition. Last evaluated: 2026-04-07. Review status: criteria provided, single submitter. Criteria: ACMG Guidelines, 2015. Collection method: clinical testing. Allele origin: germline.
Comment: The NEK8 c.695G>A variant is predicted to result in the amino acid substitution p.Arg232His. To our knowledge, this variant has not been reported in the literature. This variant is reported in 0.0087% of alleles in individuals of Latino descent in gnomAD. At this time, the clinical significance of this variant is uncertain due to the absence of conclusive functional and genetic evidence.

Fulgent Genetics
Classification: Uncertain significance for Nephronophthisis 9; Renal-hepatic-pancreatic dysplasia 2; Polycystic kidney disease 8. Last evaluated: 2024-05-17. Review status: criteria provided, single submitter. Criteria: ACMG Guidelines, 2015. Collection method: clinical testing. Allele origin: germline.

NM_178170.3(NEK8):c.695G>A (p.Arg232His)

Gene: NEK8 (NIMA related kinase 8; plus strand). Cytogenetic location: 17q11.2.
Variant type: single nucleotide variant.
Coding change: c.695G>A on transcript NM_178170.3 (MANE Select); coding-DNA position 695, G replaced by A.
Protein change: p.Arg232His; replaces arginine 232 with histidine.
Molecular consequence: missense variant.
Genome position (GRCh38, 1-based): chr17:28,737,382, G>A. VCF-style: chr17-28737382-G-A. GRCh37 (hg19) VCF-style: chr17-27064400-G-A.
Other names: c.695G>A (NM_178170.2); short protein forms R232H.
Identifiers: ClinVar variation 3581754 (VCV003581754.2).